The following is an entry in ClinVar:

ClinVar aggregate classification (germline): Pathogenic. Review status: criteria provided, multiple submitters, no conflicts (2 of 4 stars). 3 submissions from 3 submitters: Pathogenic (3). Last evaluated 2024-03-05.

Conditions:
Hereditary cancer-predisposing syndrome. Also called: Neoplastic Syndromes, Hereditary; Tumor predisposition; Hereditary Cancer Syndrome; Hereditary neoplastic syndrome. Identifiers: Orphanet 140162, MedGen C0027672, MeSH D009386, MONDO:0015356.
Rhabdoid tumor predisposition syndrome 2 (RTPS2). Identifiers: Orphanet 231108, Orphanet 69077, MedGen C2750074, MONDO:0013224, OMIM 613325.
Intellectual disability, autosomal dominant 16 (CSS4). Also called: COFFIN-SIRIS SYNDROME 4. Identifiers: Orphanet 1465, MedGen C3553249, MONDO:0013821, OMIM 614609.
Otosclerosis 12. Identifiers: MedGen C5935610, MONDO:0968980, OMIM 620792.

Submissions (3):

Fulgent Genetics
Classification: Pathogenic for Rhabdoid tumor predisposition syndrome 2; Intellectual disability, autosomal dominant 16; Otosclerosis 12. Last evaluated: 2024-03-05. Review status: criteria provided, single submitter. Criteria: ACMG Guidelines, 2015. Collection method: clinical testing. Allele origin: germline.

Labcorp Genetics (formerly Invitae), Labcorp
Classification: Pathogenic for Rhabdoid tumor predisposition syndrome 2. Last evaluated: 2023-03-19. Review status: criteria provided, single submitter. Criteria: Invitae Variant Classification Sherloc (09022015). Collection method: clinical testing. Allele origin: germline.
Comment: This variant is not present in population databases (gnomAD no frequency). This variant has not been reported in the literature in individuals affected with SMARCA4-related conditions. ClinVar contains an entry for this variant (Variation ID: 1762032). For these reasons, this variant has been classified as Pathogenic. This sequence change creates a premature translational stop signal (p.Gly271Argfs*16) in the SMARCA4 gene. It is expected to result in an absent or disrupted protein product. Loss-of-function variants in SMARCA4 are known to be pathogenic (PMID: 24658001, 24658002).

Ambry Genetics
Classification: Pathogenic for Hereditary cancer-predisposing syndrome. Last evaluated: 2021-06-11. Review status: criteria provided, single submitter. Criteria: Ambry Variant Classification Scheme 2023. Collection method: clinical testing. Allele origin: germline.
Comment: The c.810dupC pathogenic mutation, located in coding exon 4 of the SMARCA4 gene, results from a duplication of C at nucleotide position 810, causing a translational frameshift with a predicted alternate stop codon (p.G271Rfs*16). This alteration is expected to result in loss of function by premature protein truncation or nonsense-mediated mRNA decay. Loss-of-function variants in SMARCA4 are known to cause rhabdoid tumor predisposition syndrome including small cell carcinoma of the ovary-hypercalcemic type (SCCOHT); however, such associations with neurodevelopmental disorders are exceedingly rare (Kosho T et al. Am J Med Genet C Semin Med Genet. 2014 Sep;166C(3):262-75; Jelinic P et al. Nat Genet. 2014 May;46(5):424-6). Based on the supporting evidence, this alteration is pathogenic for rhabdoid tumor predisposition syndrome; however, the association of this alteration with Coffin-Siris syndrome is unlikely.

Literature cited by the submitters: PubMed 24658001 (cited by Labcorp Genetics (formerly Invitae), Labcorp); PubMed 24658002 (cited by Labcorp Genetics (formerly Invitae), Labcorp).

NM_003072.5(SMARCA4):c.810dup (p.Gly271fs)

Gene: SMARCA4 (SWI/SNF related BAF chromatin remodeling complex subunit ATPase 4; plus strand). Cytogenetic location: 19p13.2.
Variant type: Duplication.
Coding change: c.810dup on transcript NM_003072.5 (MANE Select); coding-DNA position 810, one base duplicated (C; older notation c.810dupC).
Protein change: p.Gly271fs; shifts the reading frame from glycine 271.
Molecular consequence: frameshift variant. On other transcripts: non-coding transcript variant (1).
Genome position (GRCh38, 1-based): chr19:10,986,954, C duplicated; the last of 6 consecutive C bases (chr19:10,986,949-10,986,954); duplicating any one gives the same sequence. VCF-style (leftmost placement, unchanged base first): chr19-10986948-G-GC. GRCh37 (hg19) VCF-style: chr19-11097624-G-GC.
Other names: c.810dup, p.Gly271fs (NM_001128844.3, NM_001128845.2, NM_001128846.2 and 5 more transcripts); c.810dup, p.Gly271Argfs (NM_001411150.1); c.810dup (NM_001128849.2); short protein forms G271fs.
Identifiers: ClinVar variation 1762032 (VCV001762032.8), dbSNP rs1165714406, ClinGen allele CA631768314.
Genomic context (GRCh38, chr19:10,986,948, plus strand): 5'-TTTCTCCCTACATGTAGGTATGGGAGGGCCCAACATGCCTCCCCCAGGACCCTCGGGCGT[G>GC]CCCCCCGGGATGCCAGGCCAGCCTCCTGGAGGGCCTCCCAAGCCCTGGCCTGAAGGTGAG-3'